The following is an entry in ClinVar:

ClinVar aggregate classification (germline): Benign. Review status: criteria provided, multiple submitters, no conflicts (2 of 4 stars). 2 submissions from 2 submitters: Benign (2). Last evaluated 2018-01-13.

Conditions:
Pseudohypoaldosteronism type 2E (PHA2E). Also called: Pseudohypoaldosteronism Type IIE. Identifiers: Orphanet 300530, Orphanet 757, MedGen C3469606, MONDO:0013782, OMIM 614496.

Allele frequency attached by ClinVar (database versions not stated): gnomAD 0.48773 and 0.49224; TOPMed 0.50065; gnomAD exomes 0.50782; 1000 Genomes Project 30x 0.54232; 1000 Genomes Project 0.54673.

Submissions (2):

Illumina Laboratory Services, Illumina
Classification: Benign for Pseudohypoaldosteronism type 2E. Last evaluated: 2018-01-13. Review status: criteria provided, single submitter. Criteria: ICSL Variant Classification Criteria 13 December 2019. Collection method: clinical testing. Allele origin: germline.
Comment: This variant was observed in the ICSL laboratory as part of a predisposition screen in an ostensibly healthy population. It had not been previously curated by ICSL or reported in the Human Gene Mutation Database (HGMD: prior to June 1st, 2018), and was therefore a candidate for classification through an automated scoring system. Utilizing variant allele frequency, disease prevalence and penetrance estimates, and inheritance mode, an automated score was calculated to assess if this variant is too frequent to cause the disease. Based on the score and internal cut-off values, a variant classified as benign is not then subjected to further curation. The score for this variant resulted in a classification of benign for this disease.

Breakthrough Genomics
Classification: Benign. Review status: criteria provided, single submitter. Criteria: ACMG Guidelines, 2015. Collection method: not provided. Allele origin: germline. Inheritance: Autosomal dominant inheritance. Affected: yes.

NM_003590.5(CUL3):c.*3367T>C

Gene: CUL3 (cullin 3; minus strand). Cytogenetic location: 2q36.2.
Variant type: single nucleotide variant.
Coding change: c.*3367T>C on transcript NM_003590.5 (MANE Select); 3367 bases downstream of the stop codon, T replaced by C.
Molecular consequence: 3 prime UTR variant.
Genome position (GRCh38, 1-based): chr2:224,470,878, A>G on the plus strand (T>C on the coding strand, the complement: CUL3 is on the minus strand). VCF-style: chr2-224470878-A-G. GRCh37 (hg19) VCF-style: chr2-225335595-A-G.
Other names: c.*3367T>C (NM_001257197.2, NM_001257198.2).
Identifiers: ClinVar variation 334580 (VCV000334580.7), dbSNP rs4674908, ClinGen allele CA10612914.
Genomic context (GRCh38, chr2:224,470,878, plus strand): 5'-ACATTACTATTCATGTGAATGAGGTACAAAATAAATGAAAATTTTTTAATATGGAAAATC[A>G]TGTCAATTTGTAACATGGAATATGGATAGGATTAAACCTAGGTCCAACTCCTGGCTCTGC-3'